The following is an entry in ClinVar:

ClinVar aggregate classification (germline): Uncertain significance (1 of 4 stars; one submission).

Conditions:
Progressive sclerosing poliodystrophy (MTDPS4A). Also called: Mitochondrial DNA depletion syndrome 4A (Alpers type); ALPERS PROGRESSIVE INFANTILE POLIODYSTROPHY; NEURONAL DEGENERATION OF CHILDHOOD WITH LIVER DISEASE, PROGRESSIVE; Mitochondrial DNA Depletion Syndrome 4A; Alpers-Huttenlocher Syndrome (AHS); Alpers Syndrome. Identifiers: Orphanet 726, MedGen C0205710, MONDO:0008758, OMIM 203700.

Submission:

Labcorp Genetics (formerly Invitae), Labcorp
Classification: Uncertain significance for Progressive sclerosing poliodystrophy. Last evaluated: 2022-07-19. Review status: criteria provided, single submitter. Criteria: Invitae Variant Classification Sherloc (09022015). Collection method: clinical testing. Allele origin: germline.
Comment: Algorithms developed to predict the effect of missense changes on protein structure and function are either unavailable or do not agree on the potential impact of this missense change (SIFT: "Tolerated"; PolyPhen-2: "Possibly Damaging"; Align-GVGD: "Class C0"). This sequence change replaces lysine, which is basic and polar, with glutamic acid, which is acidic and polar, at codon 1039 of the POLG protein (p.Lys1039Glu). This variant is not present in population databases (gnomAD no frequency). This variant has not been reported in the literature in individuals affected with POLG-related conditions. ClinVar contains an entry for this variant (Variation ID: 1383575). In summary, the available evidence is currently insufficient to determine the role of this variant in disease. Therefore, it has been classified as a Variant of Uncertain Significance.

NM_002693.3(POLG):c.3115A>G (p.Lys1039Glu)

Gene: POLG (DNA polymerase gamma, catalytic subunit; minus strand). Cytogenetic location: 15q26.1.
Variant type: single nucleotide variant.
Coding change: c.3115A>G on transcript NM_002693.3 (MANE Select); coding-DNA position 3115, A replaced by G.
Protein change: p.Lys1039Glu; replaces lysine 1039 with glutamic acid.
Molecular consequence: missense variant.
Genome position (GRCh38, 1-based): chr15:89,319,089, T>C on the plus strand (A>G on the coding strand, the complement: POLG is on the minus strand). VCF-style: chr15-89319089-T-C. GRCh37 (hg19) VCF-style: chr15-89862320-T-C.
Other names: c.3115A>G, p.Lys1039Glu (NM_001126131.2); short protein forms K1039E.
Identifiers: ClinVar variation 1383575 (VCV001383575.8), dbSNP rs2152059459, ClinGen allele CA393751206.